The following is an entry in ClinVar:

NM_006734.4(HIVEP2):c.3141G>A (p.Arg1047=)

Gene: HIVEP2 (HIVEP zinc finger 2; minus strand). Cytogenetic location: 6q24.2.
Variant type: single nucleotide variant.
Coding change: c.3141G>A on transcript NM_006734.4 (MANE Select); coding-DNA position 3141, G replaced by A.
Protein change: p.Arg1047=; no amino-acid change (arginine 1047 retained).
Molecular consequence: synonymous variant.
Genome position (GRCh38, 1-based): chr6:142,771,598, C>T on the plus strand (G>A on the coding strand, the complement: HIVEP2 is on the minus strand). VCF-style: chr6-142771598-C-T. GRCh37 (hg19) VCF-style: chr6-143092735-C-T.
Identifiers: ClinVar variation 758231 (VCV000758231.8), dbSNP rs34502731, ClinGen allele CA4028309.

ClinVar aggregate classification (germline): Benign/Likely benign. Review status: criteria provided, multiple submitters, no conflicts (2 of 4 stars). 2 submissions from 2 submitters: Benign (1); Likely benign (1). Last evaluated 2026-07-01.

Allele frequency attached by ClinVar (database versions not stated): gnomAD 0.00012 and 0.00013; TOPMed 0.00018; ExAC 0.00019; gnomAD exomes 0.00026; ESP Exome Variant Server 0.00032.
gnomAD v4.1: 208 of 1,614,032 alleles (0.013%); highest among the groups gnomAD compares: Non-Finnish European, 0.0011%; no homozygotes.

Submissions (2):

CeGaT Center for Human Genetics Tuebingen
Classification: Likely benign. Last evaluated: 2026-07-01. Review status: criteria provided, single submitter. Criteria: CeGaT Center For Human Genetics Tuebingen Variant Classification Criteria Version 2. Collection method: clinical testing. Allele origin: germline. Affected: yes. Observed: 1 variant allele.
Comment: HIVEP2: BP4, BP7

Labcorp Genetics (formerly Invitae), Labcorp
Classification: Benign. Last evaluated: 2025-02-04. Review status: criteria provided, single submitter. Criteria: Invitae Variant Classification Sherloc (09022015). Collection method: clinical testing. Allele origin: germline.